The following is an entry in ClinVar:

ClinVar aggregate classification (germline): Uncertain significance (1 of 4 stars; one submission).

Conditions:
Primary familial hypertrophic cardiomyopathy (HCM). Identifiers: Orphanet 99739, MedGen C0949658, MeSH D024741, MONDO:0024573. Inheritance: Various modes of inheritance.

Submission:

Petrovsky National Research Centre of Surgery, The Federal Agency for Scientific Organizations
Classification: Uncertain significance for Primary familial hypertrophic cardiomyopathy. Last evaluated: 2026-08-19. Review status: criteria provided, single submitter. Criteria: ACMG Guidelines, 2015. Collection method: research. Allele origin: unknown. Inheritance: Autosomal dominant inheritance. Affected: yes. Observed: 1 variant allele, 1 heterozygote.
Comment: This variant is absent in The Genome Aggregation Database (gnomAD) v4.1.0(Date of access 19-08-2026). Computational evidence suggests no deleterious effect: REVEL score=0.277<0.4 (BP4). In accordance with ACMG(2015) criteria this variant is classified as Variant of Uncertain Significance (VUS) with following criteria selected: PM2, BP4.

NM_004333.6(BRAF):c.25G>C (p.Gly9Arg)

Gene: BRAF (B-Raf proto-oncogene, serine/threonine kinase; minus strand). Cytogenetic location: 7q34.
Variant type: single nucleotide variant.
Coding change: c.25G>C on transcript NM_004333.6 (MANE Select); coding-DNA position 25, G replaced by C.
Protein change: p.Gly9Arg; replaces glycine 9 with arginine.
Molecular consequence: missense variant.
Genome position (GRCh38, 1-based): chr7:140,924,679, C>G on the plus strand (G>C on the coding strand, the complement: BRAF is on the minus strand). VCF-style: chr7-140924679-C-G. GRCh37 (hg19) VCF-style: chr7-140624479-C-G.
Other names: c.25G>C, p.Gly9Arg (NM_001378469.1, NM_001378470.1, NM_001378471.1 and 7 more transcripts); short protein forms G9R.
Identifiers: ClinVar variation 5036878 (VCV005036878.1).